The following is an entry in ClinVar:

ClinVar aggregate classification (germline): Uncertain significance (1 of 4 stars; one submission).

Conditions:
Hereditary pancreatitis (PCTT). Also called: Hereditary chronic pancreatitis; PRSS1-Related Hereditary Pancreatitis. Identifiers: Orphanet 676, MedGen C0238339, MONDO:0008185, OMIM 167800.

Submission:

Ambry Genetics
Classification: Uncertain significance for Hereditary pancreatitis. Last evaluated: 2023-09-27. Review status: criteria provided, single submitter. Criteria: Ambry Variant Classification Scheme 2023. Collection method: clinical testing. Allele origin: germline.
Comment: The p.V284G variant (also known as c.851T>G), located in coding exon 8 of the CPA1 gene, results from a T to G substitution at nucleotide position 851. The valine at codon 284 is replaced by glycine, an amino acid with dissimilar properties. This amino acid position is conserved. In addition, this alteration is predicted to be tolerated by in silico analysis. Since supporting evidence is limited at this time, the clinical significance of this alteration remains unclear.

NM_001868.4(CPA1):c.851T>G (p.Val284Gly)

Gene: CPA1 (carboxypeptidase A1; plus strand). Cytogenetic location: 7q32.2.
Variant type: single nucleotide variant.
Coding change: c.851T>G on transcript NM_001868.4 (MANE Select); coding-DNA position 851, T replaced by G.
Protein change: p.Val284Gly; replaces valine 284 with glycine.
Molecular consequence: missense variant.
Genome position (GRCh38, 1-based): chr7:130,385,209, T>G. VCF-style: chr7-130385209-T-G. GRCh37 (hg19) VCF-style: chr7-130025050-T-G.
Other names: short protein forms V284G.
Identifiers: ClinVar variation 3221851 (VCV003221851.1), dbSNP rs2117505975, ClinGen allele CA369283447.